The following is an entry in ClinVar:

NM_000371.4(TTR):c.76G>A (p.Gly26Ser)

Gene: TTR (transthyretin; plus strand). Cytogenetic location: 18q12.1.
Variant type: single nucleotide variant.
Coding change: c.76G>A on transcript NM_000371.4 (MANE Select); coding-DNA position 76, G replaced by A.
Protein change: p.Gly26Ser; replaces glycine 26 with serine.
Molecular consequence: missense variant.
Genome position (GRCh38, 1-based): chr18:31,592,902, G>A. VCF-style: chr18-31592902-G-A. GRCh37 (hg19) VCF-style: chr18-29172865-G-A.
Other names: G6S; p.G26S:GGT>AGT; short protein forms G26S.
Identifiers: ClinVar variation 13452 (VCV000013452.54), dbSNP rs1800458, ClinGen allele CA123106.
Genomic context (GRCh38, chr18:31,592,902, plus strand): 5'-TCCTTTCACTCTGATCAATTTTGTTAACTTCTCACGTGTCTTCTCTACACCCAGGGCACC[G>A]GTGAATCCAAGTGTCCTCTGATGGTCAAAGTTCTAGATGCTGTCCGAGGCAGTCCTGCCA-3'
Protein context (NP_000362.1, residues 16-36): FVSEAGPTGT[Gly26Ser]ESKCPLMVKV

ClinVar aggregate classification (germline): Benign/Likely benign. Review status: criteria provided, multiple submitters, no conflicts (2 of 4 stars). 20 submissions from 20 submitters: Benign (13); Likely benign (1). 6 of the submissions do not count toward it. Last evaluated 2026-02-04.

Conditions:
TTR POLYMORPHISM.
Carpal tunnel syndrome 1 (CTS1). Also called: Carpal tunnel syndrome, familial. Identifiers: MedGen C5779776, MONDO:0020730, OMIM 115430.
Amyloidosis, hereditary systemic 1 (AMYLD1). Also called: Hereditary Transthyretin Amyloidosis; Isolated Cardiac Amyloidosis; Amyloid Cardiomyopathy, Transthyretin-related; Familial amyloid polyneuropathy; AMYLOID CARDIOMYOPATHY; Hereditary oculoleptomeningeal amyloid angiopathy. Identifiers: Orphanet 85447, Orphanet 85451, MedGen C2751492, MONDO:0971004, OMIM 105210.
Hyperthyroxinemia, dystransthyretinemic. Also called: HYPERTHYROXINEMIA, DYSPREALBUMINEMIC; EUTHRYROIDAL HYPERTHYROXINEMIA 2. Identifiers: MedGen C2750824, MONDO:0007785, OMIM 145680.
Charcot-Marie-Tooth disease. Also called: Charcot-Marie-Tooth Neuropathy; Charcot-Marie-Tooth Hereditary Neuropathy. Identifiers: Orphanet 166, MedGen C0007959, MONDO:0015626.
Cardiovascular phenotype. Identifiers: MedGen CN230736.
Hypertrophic cardiomyopathy. Also called: HYPERTROPHIC MYOCARDIOPATHY. Identifiers: Orphanet 217569, MedGen C0007194, MeSH D002312, MONDO:0005045, HP:0001639.

Allele frequency attached by ClinVar (database versions not stated): gnomAD 0.05309 and 0.05166; 1000 Genomes Project 0.02336; 1000 Genomes Project 30x 0.02342; gnomAD exomes 0.05051; TOPMed 0.04462; ExAC 0.04953.
gnomAD v4.1: 107,914 of 1,613,656 alleles (6.7%); highest among the groups gnomAD compares: Non-Finnish European, 7.8%; 4,228 homozygotes.

Submissions (20):

Labcorp Genetics (formerly Invitae), Labcorp
Classification: Benign for Amyloidosis, hereditary systemic 1. Last evaluated: 2026-02-04. Review status: criteria provided, single submitter. Criteria: Invitae Variant Classification Sherloc (09022015). Collection method: clinical testing. Allele origin: germline.

ARUP Laboratories, Molecular Genetics and Genomics, ARUP Laboratories
Classification: Benign. Last evaluated: 2025-07-31. Review status: criteria provided, single submitter. Criteria: ARUP Molecular Germline Variant Investigation Process 2024. Collection method: clinical testing. Allele origin: germline.

Mayo Clinic Laboratories, Mayo Clinic
Classification: Benign. Last evaluated: 2025-05-23. Review status: criteria provided, single submitter. Criteria: ACMG Guidelines, 2015. Collection method: clinical testing. Allele origin: germline. Observed: 904 variant alleles.

Blueprint Genetics
Classification: Benign. Last evaluated: 2024-11-28. Review status: criteria provided, single submitter. Criteria: ACMG Guidelines, 2015. Collection method: clinical testing. Allele origin: germline.

Laboratory for Molecular Medicine, Mass General Brigham Personalized Medicine
Classification: Benign. Last evaluated: 2023-11-17. Review status: criteria provided, single submitter. Criteria: ACMG Guidelines, 2015. Collection method: clinical testing. Allele origin: germline.
Comment: The p.Gly26Ser variant in TTR is classified as benign because it has been identified in 10.1% (1074/10590) of Finnish European chromosomes, including 53 homozygotes and 5.1% (7814/152120) of total chromosomes by gnomAD (v.3.1.2), including 297 homozygotes. ACMG/AMP Criteria applied: BA1.

Fulgent Genetics
Classification: Likely benign for Amyloidosis, hereditary systemic 1; Carpal tunnel syndrome 1; Hyperthyroxinemia, dystransthyretinemic. Last evaluated: 2021-07-16. Review status: criteria provided, single submitter. Criteria: ACMG Guidelines, 2015. Collection method: clinical testing. Allele origin: unknown.

GeneDx
Classification: Benign. Last evaluated: 2018-12-18. Review status: criteria provided, single submitter. Criteria: GeneDx Variant Classification Process June 2021. Collection method: clinical testing. Allele origin: germline. Affected: yes.
Comment: This variant is associated with the following publications: (PMID: 28911993, 26959691, 7868124, 29520877, 2040864)

Illumina Laboratory Services, Illumina
Classification: Benign for Amyloidosis, hereditary systemic 1. Last evaluated: 2017-04-27. Review status: criteria provided, single submitter. Criteria: ICSL Variant Classification Criteria 13 December 2019. Collection method: clinical testing. Allele origin: germline.
Comment: This variant was observed as part of a predisposition screen in an ostensibly healthy population. A literature search was performed for the gene, cDNA change, and amino acid change (where applicable). No publications were found based on this search. Allele frequency data from public databases was too high to be consistent with this variant causing disease. Therefore, this variant is classified as benign.

Molecular Diagnostic Laboratory for Inherited Cardiovascular Disease, Montreal Heart Institute
Classification: Benign. Last evaluated: 2016-06-20. Review status: criteria provided, single submitter. Criteria: ACMG Guidelines, 2015. Collection method: clinical testing. Allele origin: germline. Affected: yes.

Ambry Genetics
Classification: Benign for Cardiovascular phenotype. Last evaluated: 2015-06-21. Review status: criteria provided, single submitter. Criteria: Ambry Variant Classification Scheme 2023. Collection method: clinical testing. Allele origin: germline.

Eurofins Ntd Llc (ga)
Classification: Benign. Last evaluated: 2013-05-08. Review status: criteria provided, single submitter. Criteria: EGL Classification Definitions 2015. Collection method: clinical testing. Allele origin: germline.

Breakthrough Genomics
Classification: Benign. Review status: criteria provided, single submitter. Criteria: ACMG Guidelines, 2015. Collection method: not provided. Allele origin: germline. Inheritance: Autosomal dominant inheritance. Affected: yes.

Molecular Genetics Laboratory, London Health Sciences Centre
Classification: Benign for Charcot-Marie-Tooth disease. Review status: criteria provided, single submitter. Criteria: ACMG Guidelines, 2015. Collection method: clinical testing. Allele origin: germline. Affected: yes.

PreventionGenetics, part of Exact Sciences
Classification: Benign. Review status: criteria provided, single submitter. Criteria: ACMG Guidelines, 2015. Collection method: clinical testing. Allele origin: germline.

Cohesion Phenomics
Classification: Benign for Hypertrophic Cardiomyopathy. Last evaluated: 2022-09-29. Review status: no assertion criteria provided. Criteria: ACMG Guidelines, 2015. Collection method: clinical testing. Allele origin: germline. Affected: yes. Not counted in ClinVar's aggregate classification.

OMIM
Classification: Benign for TTR POLYMORPHISM. Last evaluated: 1990-07-01. Review status: no assertion criteria provided. Collection method: literature only. Allele origin: germline. Not counted in ClinVar's aggregate classification.

Clinical Genetics, Academic Medical Center
Classification: Benign. Review status: no assertion criteria provided. Collection method: clinical testing. Allele origin: germline. Affected: yes. Study: VKGL Data-share Consensus. Not counted in ClinVar's aggregate classification.

Diagnostic Laboratory, Department of Genetics, University Medical Center Groningen
Classification: Benign. Review status: no assertion criteria provided. Collection method: clinical testing. Allele origin: germline. Affected: yes. Study: VKGL Data-share Consensus. Not counted in ClinVar's aggregate classification.

Genome Diagnostics Laboratory, University Medical Center Utrecht
Classification: Benign. Review status: no assertion criteria provided. Collection method: clinical testing. Allele origin: germline. Affected: yes. Study: VKGL Data-share Consensus. Not counted in ClinVar's aggregate classification.

Joint Genome Diagnostic Labs from Nijmegen and Maastricht, Radboudumc and MUMC+
Classification: Benign. Review status: no assertion criteria provided. Collection method: clinical testing. Allele origin: germline. Affected: yes. Study: VKGL Data-share Consensus. Not counted in ClinVar's aggregate classification.

Literature cited by the submitters: PubMed 14640030 (cited by Laboratory for Molecular Medicine, Mass General Brigham Personalized Medicine); PubMed 20840742 (cited by Laboratory for Molecular Medicine, Mass General Brigham Personalized Medicine); PubMed 7868124 (cited by Laboratory for Molecular Medicine, Mass General Brigham Personalized Medicine); PubMed 2349941 (cited by OMIM).